The following is an entry in ClinVar:

NM_006949.4(STXBP2):c.715C>T (p.Pro239Ser)

Gene: STXBP2 (syntaxin binding protein 2; plus strand). Cytogenetic location: 19p13.2.
Variant type: single nucleotide variant.
Coding change: c.715C>T on transcript NM_006949.4 (MANE Select); coding-DNA position 715, C replaced by T.
Protein change: p.Pro239Ser; replaces proline 239 with serine.
Molecular consequence: missense variant. On other transcripts: non-coding transcript variant (1).
Genome position (GRCh38, 1-based): chr19:7,642,254, C>T. VCF-style: chr19-7642254-C-T. GRCh37 (hg19) VCF-style: chr19-7707140-C-T.
Other names: c.706C>T, p.Pro236Ser (NM_001127396.3); c.748C>T, p.Pro250Ser (NM_001272034.2); short protein forms P250S, P236S, P239S.
Identifiers: ClinVar variation 1386163 (VCV001386163.9), dbSNP rs1418225393, ClinGen allele CA403158808.
Genomic context (GRCh38, chr19:7,642,254, plus strand): 5'-CCACCCCAGGGCCCAGAGAAAACCCGCTCCCAGCTGCTGATAATGGACCGGGCAGCTGAC[C>T]CCGTGTCCCCACTACTGCATGAGCTCACGTTCCAGGCCATGGCGTATGATCTGCTGGACA-3'
Protein context (NP_008880.2, residues 229-249): QLLIMDRAAD[Pro239Ser]VSPLLHELTF

ClinVar aggregate classification (germline): Uncertain significance. Review status: criteria provided, multiple submitters, no conflicts (2 of 4 stars). 2 submissions from 2 submitters: Uncertain significance (2). Last evaluated 2021-03-26.

Conditions:
Familial hemophagocytic lymphohistiocytosis 5. Also called: STXBP2-Related Familial Hemophagocytic Lymphohistiocytosis (STXBP2-fHLH). Identifiers: Orphanet 540, MedGen C2751293, MONDO:0013135, OMIM 613101.

Allele frequency attached by ClinVar (database versions not stated): gnomAD 0.00001; TOPMed 0.00001.
gnomAD v4.1: 1 of 1,614,052 alleles (0.000062%); highest among the groups gnomAD compares: African/African-American, 0.0013%; no homozygotes.

Submissions (2):

Labcorp Genetics (formerly Invitae), Labcorp
Classification: Uncertain significance for Familial hemophagocytic lymphohistiocytosis 5. Last evaluated: 2021-03-26. Review status: criteria provided, single submitter. Criteria: Invitae Variant Classification Sherloc (09022015). Collection method: clinical testing. Allele origin: germline.
Comment: In summary, the available evidence is currently insufficient to determine the role of this variant in disease. Therefore, it has been classified as a Variant of Uncertain Significance. Algorithms developed to predict the effect of missense changes on protein structure and function are either unavailable or do not agree on the potential impact of this missense change (SIFT: "Tolerated"; PolyPhen-2: "Possibly Damaging"; Align-GVGD: "Class C0"). This variant has been observed in individual(s) with clinical features of familial hemophagocytic lymphohistiocytosis (PMID: 24916509). This variant is not present in population databases (ExAC no frequency). This sequence change replaces proline with serine at codon 239 of the STXBP2 protein (p.Pro239Ser). The proline residue is moderately conserved and there is a moderate physicochemical difference between proline and serine.

Blueprint Genetics
Classification: Uncertain significance. Last evaluated: 2020-12-11. Review status: criteria provided, single submitter. Criteria: ACMG Guidelines, 2015. Collection method: clinical testing. Allele origin: germline.

Literature cited by the submitters: PubMed 24916509 (cited by Labcorp Genetics (formerly Invitae), Labcorp).